The following is an entry in ClinVar:

ClinVar aggregate classification (germline): other (0 of 4 stars; one submission).

Conditions:
Familial colorectal cancer. Identifiers: MedGen CN280943, MONDO:0023113. Disease mechanism: loss of function.

Submission:

Systems Biology Platform Zhejiang California International NanoSystems Institute
Classification: other for Familial colorectal cancer. Review status: no assertion criteria provided. Collection method: not provided. Allele origin: unknown.
ClinVar note: Converted during submission from cancer to other.

NC_000005.10:g.112850824C>G

Variant type: single nucleotide variant.
Genome position: GRCh38 VCF-style: chr5-112850824-C-G. GRCh37 (hg19) VCF-style: chr5-112186521-C-G.
Identifiers: ClinVar variation 82660 (VCV000082660.3), dbSNP rs79675475, ClinGen allele CA250800.